The following is an entry in ClinVar:

ClinVar aggregate classification (germline): Uncertain significance. Review status: criteria provided, multiple submitters, no conflicts (2 of 4 stars). 2 submissions from 2 submitters: Uncertain significance (2). Last evaluated 2022-12-04.

Conditions:
Cardiovascular phenotype. Identifiers: MedGen CN230736.
Brugada syndrome 6 (BRGDA6). Identifiers: Orphanet 130, MedGen C2751089, MONDO:0013145, OMIM 613119.

Submissions (2):

Labcorp Genetics (formerly Invitae), Labcorp
Classification: Uncertain significance for Brugada syndrome 6. Last evaluated: 2022-12-04. Review status: criteria provided, single submitter. Criteria: Invitae Variant Classification Sherloc (09022015). Collection method: clinical testing. Allele origin: germline.
Comment: Algorithms developed to predict the effect of missense changes on protein structure and function (SIFT, PolyPhen-2, Align-GVGD) all suggest that this variant is likely to be tolerated. This variant has not been reported in the literature in individuals affected with KCNE3-related conditions. This variant is not present in population databases (gnomAD no frequency). This sequence change replaces arginine, which is basic and polar, with glycine, which is neutral and non-polar, at codon 47 of the KCNE3 protein (p.Arg47Gly). In summary, the available evidence is currently insufficient to determine the role of this variant in disease. Therefore, it has been classified as a Variant of Uncertain Significance.

Ambry Genetics
Classification: Uncertain significance for Cardiovascular phenotype. Last evaluated: 2021-11-03. Review status: criteria provided, single submitter. Criteria: Ambry Variant Classification Scheme 2023. Collection method: clinical testing. Allele origin: germline.
Comment: The p.R47G variant (also known as c.139C>G), located in coding exon 1 of the KCNE3 gene, results from a C to G substitution at nucleotide position 139. The arginine at codon 47 is replaced by glycine, an amino acid with dissimilar properties. This amino acid position is poorly conserved in available vertebrate species. In addition, the in silico prediction for this alteration is inconclusive. Since supporting evidence is limited at this time, the clinical significance of this alteration remains unclear.

NM_005472.5(KCNE3):c.139C>G (p.Arg47Gly)

Gene: KCNE3 (potassium voltage-gated channel subfamily E regulatory subunit 3; minus strand). Cytogenetic location: 11q13.4.
Variant type: single nucleotide variant.
Coding change: c.139C>G on transcript NM_005472.5 (MANE Select); coding-DNA position 139, C replaced by G.
Protein change: p.Arg47Gly; replaces arginine 47 with glycine.
Molecular consequence: missense variant.
Genome position (GRCh38, 1-based): chr11:74,457,425, G>C on the plus strand (C>G on the coding strand, the complement: KCNE3 is on the minus strand). VCF-style: chr11-74457425-G-C. GRCh37 (hg19) VCF-style: chr11-74168470-G-C.
Other names: short protein forms R47G.
Identifiers: ClinVar variation 1771720 (VCV001771720.5), dbSNP rs17215444, ClinGen allele CA224975658.